The following is an entry in ClinVar:

ClinVar aggregate classification (germline): Uncertain significance (1 of 4 stars; one submission).

Conditions:
Hereditary cancer-predisposing syndrome. Also called: Neoplastic Syndromes, Hereditary; Tumor predisposition; Hereditary neoplastic syndrome; Hereditary Cancer Syndrome. Identifiers: Orphanet 140162, MedGen C0027672, MeSH D009386, MONDO:0015356.

Submission:

Ambry Genetics
Classification: Uncertain significance for Hereditary cancer-predisposing syndrome. Last evaluated: 2024-04-29. Review status: criteria provided, single submitter. Criteria: Ambry Variant Classification Scheme 2023. Collection method: clinical testing. Allele origin: germline.
Comment: The p.S918T variant (also known as c.2752T>A), located in coding exon 24 of the POLE gene, results from a T to A substitution at nucleotide position 2752. The serine at codon 918 is replaced by threonine, an amino acid with similar properties. This amino acid position is conserved. In addition, this alteration is predicted to be tolerated by in silico analysis. Based on the available evidence, the clinical significance of this variant remains unclear.

NM_006231.4(POLE):c.2752T>A (p.Ser918Thr)

Gene: POLE (DNA polymerase epsilon, catalytic subunit; minus strand). Cytogenetic location: 12q24.33.
Variant type: single nucleotide variant.
Coding change: c.2752T>A on transcript NM_006231.4 (MANE Select); coding-DNA position 2752, T replaced by A.
Protein change: p.Ser918Thr; replaces serine 918 with threonine.
Molecular consequence: missense variant.
Genome position (GRCh38, 1-based): chr12:132,661,639, A>T on the plus strand (T>A on the coding strand, the complement: POLE is on the minus strand). VCF-style: chr12-132661639-A-T. GRCh37 (hg19) VCF-style: chr12-133238225-A-T.
Other names: short protein forms S918T.
Identifiers: ClinVar variation 3308398 (VCV003308398.1).
Genomic context (GRCh38, chr12:132,661,639, plus strand): 5'-GGTAGGGCCCATCAACCTCAAAAAAGATGCTGTTCTCTGAGCGGGTGACGTAGGTGAGTG[A>T]GGACGGCTCAGCCAGCTCCTGGTACTGGTCATTGGTGAAGCCTTCCTGAGAAACAAGAGT-3'
Protein context (NP_006222.2, residues 908-928): DQYQELAEPS[Ser918Thr]LTYVTRSENS